The following is an entry in ClinVar:

NM_030665.4(RAI1):c.5397C>T (p.Ala1799=)

Gene: RAI1 (retinoic acid induced 1; plus strand). Cytogenetic location: 17p11.2.
Variant type: single nucleotide variant.
Coding change: c.5397C>T on transcript NM_030665.4 (MANE Select); coding-DNA position 5397, C replaced by T.
Protein change: p.Ala1799=; no amino-acid change (alanine 1799 retained).
Molecular consequence: synonymous variant.
Genome position (GRCh38, 1-based): chr17:17,798,345, C>T. VCF-style: chr17-17798345-C-T. GRCh37 (hg19) VCF-style: chr17-17701659-C-T.
Identifiers: ClinVar variation 1747253 (VCV001747253.6), dbSNP rs1426033219, ClinGen allele CA498425536.

ClinVar aggregate classification (germline): Likely benign. Review status: criteria provided, multiple submitters, no conflicts (2 of 4 stars). 3 submissions from 3 submitters: Likely benign (2). 1 of the submissions does not count toward it. Last evaluated 2025-11-25.

Conditions:
RAI1-related disorder. Also called: RAI1-related condition.
Inborn genetic diseases. Identifiers: MedGen C0950123, MeSH D030342.

Allele frequency attached by ClinVar (database versions not stated): gnomAD 0.00001; gnomAD exomes 0.00001.
gnomAD v4.1: 11 of 1,603,038 alleles (0.00069%); highest among the groups gnomAD compares: Non-Finnish European, 0.00094%; no homozygotes.

Submissions (3):

Labcorp Genetics (formerly Invitae), Labcorp
Classification: Likely benign. Last evaluated: 2025-11-25. Review status: criteria provided, single submitter. Criteria: Invitae Variant Classification Sherloc (09022015). Collection method: clinical testing. Allele origin: germline.

Ambry Genetics
Classification: Likely benign for Inborn genetic diseases. Last evaluated: 2019-09-23. Review status: criteria provided, single submitter. Criteria: Ambry Variant Classification Scheme 2023. Collection method: clinical testing. Allele origin: germline.

PreventionGenetics, part of Exact Sciences
Classification: Likely benign for RAI1-related condition. Last evaluated: 2021-06-25. Review status: no assertion criteria provided. Collection method: clinical testing. Allele origin: germline. Not counted in ClinVar's aggregate classification.
Comment: This variant is classified as likely benign based on ACMG/AMP sequence variant interpretation guidelines (Richards et al. 2015 PMID: 25741868, with internal and published modifications).